The following is an entry in ClinVar:

NM_000397.4(CYBB):c.1249G>A (p.Ala417Thr)

Gene: CYBB (cytochrome b-245 beta chain; plus strand). Cytogenetic location: Xp11.4.
Variant type: single nucleotide variant.
Coding change: c.1249G>A on transcript NM_000397.4 (MANE Select); coding-DNA position 1249, G replaced by A.
Protein change: p.Ala417Thr; replaces alanine 417 with threonine.
Molecular consequence: missense variant.
Genome position (GRCh38, 1-based): chrX:37,805,103, G>A. VCF-style: chrX-37805103-G-A. GRCh37 (hg19) VCF-style: chrX-37664356-G-A.
Other names: short protein forms A417T.
Identifiers: ClinVar variation 425486 (VCV000425486.47), dbSNP rs782094658, ClinGen allele CA10383853.

ClinVar aggregate classification (germline): Uncertain significance. Review status: criteria provided, multiple submitters, no conflicts (2 of 4 stars). 3 submissions from 3 submitters: Uncertain significance (2). 1 of the submissions does not count toward it. Last evaluated 2021-08-27.

Conditions:
Granulomatous disease, chronic, X-linked. Also called: CYTOCHROME b-NEGATIVE GRANULOMATOUS DISEASE, CHRONIC, X-LINKED; GRANULOMATOUS DISEASE, CHRONIC, X-LINKED, SOMATIC MOSAIC. Identifiers: Orphanet 379, MedGen C1844376, MONDO:0010600, OMIM 306400.
Chronic granulomatous disease. Identifiers: Orphanet 379, MedGen C0018203, MONDO:0018305.

Allele frequency attached by ClinVar (database versions not stated): gnomAD 0.00001 and 0.00002; ExAC 0.00002; gnomAD exomes 0.00002; TOPMed 0.00002.
gnomAD v4.1: 27 of 1,209,320 alleles (0.0022%); highest among the groups gnomAD compares: East Asian, 0.003%; no homozygotes.

Submissions (3):

Labcorp Genetics (formerly Invitae), Labcorp
Classification: Uncertain significance for Granulomatous disease, chronic, X-linked. Last evaluated: 2021-08-27. Review status: criteria provided, single submitter. Criteria: Invitae Variant Classification Sherloc (09022015). Collection method: clinical testing. Allele origin: germline.
Comment: This sequence change replaces alanine with threonine at codon 417 of the CYBB protein (p.Ala417Thr). The alanine residue is highly conserved and there is a small physicochemical difference between alanine and threonine. This variant is present in population databases (rs782094658, ExAC 0.02%). This variant has not been reported in the literature in individuals affected with CYBB-related conditions. ClinVar contains an entry for this variant (Variation ID: 425486). Algorithms developed to predict the effect of missense changes on protein structure and function (SIFT, PolyPhen-2, Align-GVGD) all suggest that this variant is likely to be disruptive. In summary, the available evidence is currently insufficient to determine the role of this variant in disease. Therefore, it has been classified as a Variant of Uncertain Significance.

CeGaT Center for Human Genetics Tuebingen
Classification: Uncertain significance. Last evaluated: 2016-12-01. Review status: criteria provided, single submitter. Criteria: CeGaT Center For Human Genetics Tuebingen Variant Classification Criteria Version 2. Collection method: clinical testing. Allele origin: germline. Affected: yes. Observed: 1 variant allele.

Natera, Inc.
Classification: Uncertain significance for Chronic granulomatous disease. Last evaluated: 2020-08-12. Review status: no assertion criteria provided. Collection method: clinical testing. Allele origin: germline. Not counted in ClinVar's aggregate classification.